The following is an entry in ClinVar:

NM_002528.7(NTHL1):c.144G>C (p.Lys48Asn)

Gene: NTHL1 (nth like DNA glycosylase 1; minus strand). Cytogenetic location: 16p13.3.
Variant type: single nucleotide variant.
Coding change: c.144G>C on transcript NM_002528.7 (MANE Select); coding-DNA position 144, G replaced by C.
Protein change: p.Lys48Asn; replaces lysine 48 with asparagine.
Molecular consequence: missense variant. On other transcripts: 5 prime UTR variant (1).
Genome position (GRCh38, 1-based): chr16:2,046,338, C>G on the plus strand (G>C on the coding strand, the complement: NTHL1 is on the minus strand). VCF-style: chr16-2046338-C-G. GRCh37 (hg19) VCF-style: chr16-2096339-C-G.
Other names: c.144G>C, p.Lys48Asn (NM_001318193.2); c.-35G>C (NM_001318194.2); short protein forms K48N.
Identifiers: ClinVar variation 5025900 (VCV005025900.1).

ClinVar aggregate classification (germline): Uncertain significance (1 of 4 stars; one submission).

Conditions:
Hereditary cancer-predisposing syndrome. Also called: Neoplastic Syndromes, Hereditary; Tumor predisposition; Hereditary neoplastic syndrome; Hereditary Cancer Syndrome. Identifiers: Orphanet 140162, MedGen C0027672, MeSH D009386, MONDO:0015356.

Submission:

Ambry Genetics
Classification: Uncertain significance for Hereditary cancer-predisposing syndrome. Last evaluated: 2026-07-07. Review status: criteria provided, single submitter. Criteria: Ambry Variant Classification Scheme 2023. Collection method: clinical testing. Allele origin: germline.
Comment: The p.K56N variant (also known as c.168G>C), located in coding exon 2 of the NTHL1 gene, results from a G to C substitution at nucleotide position 168. The lysine at codon 56 is replaced by asparagine, an amino acid with similar properties. This amino acid position is conserved. In addition, this alteration is predicted to be tolerated by in silico analysis. Based on the available evidence, the clinical significance of this variant remains unclear.